The following is an entry in ClinVar:

NM_001040142.2(SCN2A):c.2329_2330delinsAG (p.Ala777Ser)

Gene: SCN2A (sodium voltage-gated channel alpha subunit 2; plus strand). Cytogenetic location: 2q24.3.
Variant type: Indel.
Coding change: c.2329_2330delinsAG on transcript NM_001040142.2 (MANE Select); coding-DNA positions 2329 to 2330, GC replaced by AG.
Protein change: p.Ala777Ser; replaces alanine 777 with serine.
Molecular consequence: missense variant.
Genome position (GRCh38, 1-based): chr2:165,331,509-165,331,510, GC replaced by AG. VCF-style: chr2-165331509-GC-AG. GRCh37 (hg19) VCF-style: chr2-166188019-GC-AG.
Other names: c.2329_2330delinsAG, p.Ala777Ser (NM_001040143.2, NM_001371246.1, NM_001371247.1 and 1 more transcripts); short protein forms A777S.
Identifiers: ClinVar variation 4055910 (VCV004055910.2).
Genomic context (GRCh38, chr2:165,331,509, plus strand): 5'-ATGGACCCATTTGTTGACCTGGCCATCACCATCTGCATTGTCTTAAATACACTCTTCATG[GC>AG]TATGGAGCACTATCCCATGACGGAGCAGTTCAGCAGTGTACTGTCTGTTGGAAACCTGGT-3'
Protein context (NP_001035232.1, residues 767-787): ICIVLNTLFM[Ala777Ser]MEHYPMTEQF

ClinVar aggregate classification (germline): Uncertain significance (1 of 4 stars; one submission).

Submission:

GeneDx
Classification: Uncertain significance. Last evaluated: 2026-07-05. Review status: criteria provided, single submitter. Criteria: GeneDx Variant Classification Process June 2021. Collection method: clinical testing. Allele origin: germline.
Comment: This substitution is predicted to be within the transmembrane segment S1 of the second homologous domain; Not observed at significant frequency in large population cohorts (gnomAD); Has not been previously published as pathogenic or benign to our knowledge; In silico analysis supports a deleterious effect on protein structure/function